The following is an entry in ClinVar:

ClinVar aggregate classification (germline): Uncertain significance. Review status: criteria provided, multiple submitters, no conflicts (2 of 4 stars). 5 submissions from 5 submitters: Uncertain significance (4). 1 of the submissions does not count toward it. Last evaluated 2025-12-08.

Conditions:
Inborn genetic diseases. Identifiers: MedGen C0950123, MeSH D030342.
Polycystic kidney disease 4 (PKD4). Also called: POLYCYSTIC KIDNEY DISEASE 4 WITH OR WITHOUT POLYCYSTIC LIVER DISEASE; POLYCYSTIC KIDNEY AND HEPATIC DISEASE 1; POLYCYSTIC KIDNEY DISEASE, INFANTILE, TYPE I; PKD3; Autosomal Recessive Polycystic Kidney Disease – PKHD1. Identifiers: MedGen C4540575, MONDO:0033004, OMIM 263200.
Autosomal recessive polycystic kidney disease (ARPKD). Also called: AR polycystic kidney disease. Identifiers: Orphanet 731, Orphanet 8378, MedGen C0085548, MeSH D017044, MONDO:0009889.

Allele frequency attached by ClinVar (database versions not stated): ExAC 0.00001; TOPMed 0.00001; gnomAD exomes 0.00002; gnomAD 0.00001.
gnomAD v4.1: 21 of 1,614,060 alleles (0.0013%); highest among the groups gnomAD compares: Non-Finnish European, 0.0018%; no homozygotes.

Submissions (5):

Ambry Genetics
Classification: Uncertain significance for Inborn genetic diseases. Last evaluated: 2025-12-08. Review status: criteria provided, single submitter. Criteria: Ambry Variant Classification Scheme 2023. Collection method: clinical testing. Allele origin: germline.

GeneDx
Classification: Uncertain significance. Last evaluated: 2025-04-30. Review status: criteria provided, single submitter. Criteria: GeneDx Variant Classification Process June 2021. Collection method: clinical testing. Allele origin: germline.
Comment: Not observed at significant frequency in large population cohorts (gnomAD); In silico analysis indicates that this missense variant does not alter protein structure/function; Has not been previously published as pathogenic or benign to our knowledge

Fulgent Genetics
Classification: Uncertain significance for Polycystic kidney disease 4. Last evaluated: 2024-05-23. Review status: criteria provided, single submitter. Criteria: ACMG Guidelines, 2015. Collection method: clinical testing. Allele origin: germline.

Labcorp Genetics (formerly Invitae), Labcorp
Classification: Uncertain significance for Autosomal recessive polycystic kidney disease. Last evaluated: 2022-07-25. Review status: criteria provided, single submitter. Criteria: Invitae Variant Classification Sherloc (09022015). Collection method: clinical testing. Allele origin: germline.
Comment: This sequence change replaces isoleucine, which is neutral and non-polar, with valine, which is neutral and non-polar, at codon 1183 of the PKHD1 protein (p.Ile1183Val). This variant is present in population databases (rs746874144, gnomAD 0.004%). This variant has not been reported in the literature in individuals affected with PKHD1-related conditions. ClinVar contains an entry for this variant (Variation ID: 1002865). Advanced modeling of protein sequence and biophysical properties (such as structural, functional, and spatial information, amino acid conservation, physicochemical variation, residue mobility, and thermodynamic stability) performed at Invitae indicates that this missense variant is not expected to disrupt PKHD1 protein function. In summary, the available evidence is currently insufficient to determine the role of this variant in disease. Therefore, it has been classified as a Variant of Uncertain Significance.

Natera, Inc.
Classification: Uncertain significance for Autosomal recessive polycystic kidney disease. Last evaluated: 2019-03-06. Review status: no assertion criteria provided. Collection method: clinical testing. Allele origin: germline. Not counted in ClinVar's aggregate classification.

NM_138694.4(PKHD1):c.3547A>G (p.Ile1183Val)

Gene: PKHD1 (PKHD1 ciliary IPT domain containing fibrocystin/polyductin; minus strand). Cytogenetic location: 6p12.2.
Variant type: single nucleotide variant.
Coding change: c.3547A>G on transcript NM_138694.4 (MANE Select); coding-DNA position 3547, A replaced by G.
Protein change: p.Ile1183Val; replaces isoleucine 1183 with valine.
Molecular consequence: missense variant.
Genome position (GRCh38, 1-based): chr6:52,028,169, T>C on the plus strand (A>G on the coding strand, the complement: PKHD1 is on the minus strand). VCF-style: chr6-52028169-T-C. GRCh37 (hg19) VCF-style: chr6-51892967-T-C.
Other names: c.3547A>G, p.Ile1183Val (NM_170724.3); c.3547A>G (NM_138694.3); short protein forms I1183V.
Identifiers: ClinVar variation 1002865 (VCV001002865.11), dbSNP rs746874144, ClinGen allele CA3852915.
Genomic context (GRCh38, chr6:52,028,169, plus strand): 5'-GCTAGACCATCAAACAAATCCAAAATTAATGCAAGTGGTCACCTCACCCTTGTGAGTGAA[T>C]GCTGACCCCATTGATAGAGACGGAAATTCTGTGGAGACCAGCTGGCAGTGGGGGCAGTGC-3'
Protein context (NP_619639.3, residues 1173-1193): RISVSINGVS[Ile1183Val]HSQGVDLHIQ